The following is an entry in ClinVar:

NC_000003.12:g.(?_167684288)_(167697146_?)del

Gene: PDCD10 (programmed cell death 10; minus strand). Cytogenetic location: 3q26.1.
Variant type: Deletion.
Identifiers: ClinVar variation 833193 (VCV000833193.7).

ClinVar aggregate classification (germline): Pathogenic (1 of 4 stars; one submission).

Conditions:
Cerebral cavernous malformation 3. Also called: Familial Cerebral Cavernous Malformation 3. Identifiers: Orphanet 221061, MedGen C1864040, MONDO:0011305, OMIM 603285.

Submission:

Labcorp Genetics (formerly Invitae), Labcorp
Classification: Pathogenic for Cerebral cavernous malformation 3. Last evaluated: 2019-04-10. Review status: criteria provided, single submitter. Criteria: Invitae Variant Classification Sherloc (09022015). Collection method: clinical testing. Allele origin: germline.
Comment: For these reasons, this variant has been classified as Pathogenic. Experimental studies and prediction algorithms are not available for this variant, and the functional significance of the affected amino acid(s) is currently unknown. This variant is a gross deletion of the genomic region encompassing exons 4-8 of the PDCD10 gene. The 5' boundary is likely confined to intron 3. The 3' end of this event is unknown as it extends through the termination codon beyond the assayed region for this gene and may encompass additional genes. While this deletion is not anticipated to result in nonsense mediated decay, it is expected to create a truncated protein product or disrupt mRNA translation.